The following is an entry in ClinVar:

NM_173630.4(RTTN):c.5720C>T (p.Pro1907Leu)

Gene: RTTN (rotatin; minus strand). Cytogenetic location: 18q22.2.
Variant type: single nucleotide variant.
Coding change: c.5720C>T on transcript NM_173630.4 (MANE Select); coding-DNA position 5720, C replaced by T.
Protein change: p.Pro1907Leu; replaces proline 1907 with leucine.
Molecular consequence: missense variant.
Genome position (GRCh38, 1-based): chr18:70,030,037, G>A on the plus strand (C>T on the coding strand, the complement: RTTN is on the minus strand). VCF-style: chr18-70030037-G-A. GRCh37 (hg19) VCF-style: chr18-67697273-G-A.
Other names: c.2984C>T, p.Pro995Leu (NM_001318520.2); short protein forms P995L, P1907L.
Identifiers: ClinVar variation 2870139 (VCV002870139.3), dbSNP rs2511873521, ClinGen allele CA402686830.

ClinVar aggregate classification (germline): Uncertain significance (1 of 4 stars; one submission).

Submission:

Labcorp Genetics (formerly Invitae), Labcorp
Classification: Uncertain significance. Last evaluated: 2023-01-31. Review status: criteria provided, single submitter. Criteria: Invitae Variant Classification Sherloc (09022015). Collection method: clinical testing. Allele origin: germline.
Comment: This sequence change replaces proline, which is neutral and non-polar, with leucine, which is neutral and non-polar, at codon 1907 of the RTTN protein (p.Pro1907Leu). This variant is not present in population databases (gnomAD no frequency). This variant has not been reported in the literature in individuals affected with RTTN-related conditions. Advanced modeling of protein sequence and biophysical properties (such as structural, functional, and spatial information, amino acid conservation, physicochemical variation, residue mobility, and thermodynamic stability) performed at Invitae indicates that this missense variant is not expected to disrupt RTTN protein function. In summary, the available evidence is currently insufficient to determine the role of this variant in disease. Therefore, it has been classified as a Variant of Uncertain Significance.